The following is an entry in ClinVar:

ClinVar aggregate classification (germline): Uncertain significance. Review status: criteria provided, multiple submitters, no conflicts (2 of 4 stars). 2 submissions from 2 submitters: Uncertain significance (2). Last evaluated 2026-04-27.

Conditions:
Familial melanoma. Also called: Hereditary melanoma; Hereditary cutaneous melanoma. Identifiers: Orphanet 618, MedGen C1512419, MONDO:0018961.
Hereditary cancer-predisposing syndrome. Also called: Neoplastic Syndromes, Hereditary; Hereditary neoplastic syndrome; Tumor predisposition; Hereditary Cancer Syndrome. Identifiers: Orphanet 140162, MedGen C0027672, MeSH D009386, MONDO:0015356.

Submissions (2):

Ambry Genetics
Classification: Uncertain significance for Hereditary cancer-predisposing syndrome. Last evaluated: 2026-04-27. Review status: criteria provided, single submitter. Criteria: Ambry Variant Classification Scheme 2023. Collection method: clinical testing. Allele origin: germline.
Comment: The p.R58Q variant (also known as c.173G>A), located in coding exon 2 of the CDKN2A gene, results from a G to A substitution at nucleotide position 173. The arginine at codon 58 is replaced by glutamine, an amino acid with highly similar properties. Of note, this variant is also known as c.216G>A (p.Pro72Pro) in the p14(ARF) isoform. This variant was reported in individual(s) with melanoma (Begg CB et al. J Natl Cancer Inst, 2005 Oct;97:1507-15). This amino acid position is not well conserved in available vertebrate species. In addition, this alteration is predicted to be tolerated by in silico analysis. Based on the available evidence, the clinical significance of this variant remains unclear.

Labcorp Genetics (formerly Invitae), Labcorp
Classification: Uncertain significance for Familial melanoma. Last evaluated: 2022-09-10. Review status: criteria provided, single submitter. Criteria: Invitae Variant Classification Sherloc (09022015). Collection method: clinical testing. Allele origin: germline.
Comment: This sequence change replaces arginine, which is basic and polar, with glutamine, which is neutral and polar, at codon 58 of the CDKN2A (p16INK4a) protein (p.Arg58Gln). This variant is not present in population databases (gnomAD no frequency). This missense change has been observed in individual(s) with melanoma (PMID: 16234564, 21462282). Algorithms developed to predict the effect of missense changes on protein structure and function are either unavailable or do not agree on the potential impact of this missense change (SIFT: "Deleterious"; PolyPhen-2: "Benign"; Align-GVGD: "Class C0"). In summary, the available evidence is currently insufficient to determine the role of this variant in disease. Therefore, it has been classified as a Variant of Uncertain Significance.

Literature cited by the submitters: PubMed 16234564 (cited by Ambry Genetics and Labcorp Genetics (formerly Invitae), Labcorp); PubMed 17218939 (cited by Ambry Genetics); PubMed 21462282 (cited by Labcorp Genetics (formerly Invitae), Labcorp).

NM_000077.5(CDKN2A):c.173G>A (p.Arg58Gln)

Gene: CDKN2A (cyclin dependent kinase inhibitor 2A; minus strand). Cytogenetic location: 9p21.3.
Variant type: single nucleotide variant.
Coding change: c.173G>A on transcript NM_000077.5; coding-DNA position 173, G replaced by A.
Protein change: p.Arg58Gln; replaces arginine 58 with glutamine.
Molecular consequence: missense variant (on NM_000077.6). On other transcripts: synonymous variant (1), 3 prime UTR variant (1).
Genome position (GRCh38, 1-based): chr9:21,971,186, C>T on the plus strand (G>A on the coding strand, the complement: CDKN2A is on the minus strand). VCF-style: chr9-21971186-C-T. GRCh37 (hg19) VCF-style: chr9-21971185-C-T.
Other names: c.173G>A, p.Arg58Gln (NM_000077.6, NM_001195132.2); c.20G>A, p.Arg7Gln (NM_001363763.2); c.216G>A, p.Pro72= (NM_058195.4); c.*96G>A (NM_058197.5); short protein forms R7Q, R58Q.
Identifiers: ClinVar variation 2083590 (VCV002083590.2), dbSNP rs2131096441, ClinGen allele CA373086410.